The following is an entry in ClinVar:

NM_006231.4(POLE):c.5039A>G (p.His1680Arg)

Gene: POLE (DNA polymerase epsilon, catalytic subunit; minus strand). Cytogenetic location: 12q24.33.
Variant type: single nucleotide variant.
Coding change: c.5039A>G on transcript NM_006231.4 (MANE Select); coding-DNA position 5039, A replaced by G.
Protein change: p.His1680Arg; replaces histidine 1680 with arginine.
Molecular consequence: missense variant.
Genome position (GRCh38, 1-based): chr12:132,642,311, T>C on the plus strand (A>G on the coding strand, the complement: POLE is on the minus strand). VCF-style: chr12-132642311-T-C. GRCh37 (hg19) VCF-style: chr12-133218897-T-C.
Other names: c.5039A>G (NM_006231.2); short protein forms H1680R.
Identifiers: ClinVar variation 1349030 (VCV001349030.9), dbSNP rs2138530832, ClinGen allele CA387377233.
Genomic context (GRCh38, chr12:132,642,311, plus strand): 5'-TCAGCCTCCTTTCCACCCAGGTCAGGGCGGGCTGTAGGGGACAGCCAGAGCAGGTGGTTG[T>C]GGCGCTGGAGGTGGCGGGCAAAGAAGAGGTCGGAGCCGAATGTGGAGATGTCCTCTGGTA-3'
Protein context (NP_006222.2, residues 1670-1690): DLFFARHLQR[His1680Arg]NHLLWLSPTA

ClinVar aggregate classification (germline): Uncertain significance. Review status: criteria provided, multiple submitters, no conflicts (2 of 4 stars). 2 submissions from 2 submitters: Uncertain significance (2). Last evaluated 2026-09-05.

Conditions:
Hereditary cancer-predisposing syndrome. Also called: Hereditary Cancer Syndrome; Neoplastic Syndromes, Hereditary; Hereditary neoplastic syndrome; Tumor predisposition. Identifiers: Orphanet 140162, MedGen C0027672, MeSH D009386, MONDO:0015356.

Submissions (2):

Ambry Genetics
Classification: Uncertain significance for Hereditary cancer-predisposing syndrome. Last evaluated: 2026-09-05. Review status: criteria provided, single submitter. Criteria: Ambry Variant Classification Scheme 2023. Collection method: clinical testing. Allele origin: germline.
Comment: The p.H1680R variant (also known as c.5039A>G), located in coding exon 38 of the POLE gene, results from an A to G substitution at nucleotide position 5039. The histidine at codon 1680 is replaced by arginine, an amino acid with highly similar properties. This amino acid position is conserved. In addition, the in silico prediction for this alteration is inconclusive. Based on the available evidence, the clinical significance of this variant remains unclear.

Labcorp Genetics (formerly Invitae), Labcorp
Classification: Uncertain significance. Last evaluated: 2021-04-26. Review status: criteria provided, single submitter. Criteria: Invitae Variant Classification Sherloc (09022015). Collection method: clinical testing. Allele origin: germline.
Comment: Algorithms developed to predict the effect of missense changes on protein structure and function are either unavailable or do not agree on the potential impact of this missense change (SIFT: "Tolerated"; PolyPhen-2: "Possibly Damaging"; Align-GVGD: "Class C0"). This variant has not been reported in the literature in individuals with POLE-related conditions. This variant is not present in population databases (ExAC no frequency). This sequence change replaces histidine with arginine at codon 1680 of the POLE protein (p.His1680Arg). The histidine residue is highly conserved and there is a small physicochemical difference between histidine and arginine. In summary, the available evidence is currently insufficient to determine the role of this variant in disease. Therefore, it has been classified as a Variant of Uncertain Significance.